The following is an entry in ClinVar:

ClinVar aggregate classification (germline): Uncertain significance. Review status: criteria provided, multiple submitters, no conflicts (2 of 4 stars). 2 submissions from 2 submitters: Uncertain significance (2). Last evaluated 2024-05-13.

Conditions:
Currarino triad. Identifiers: Orphanet 1552, MedGen C1531773, MONDO:0008305, OMIM 176450.

Allele frequency attached by ClinVar (database versions not stated): TOPMed 0.00001.
gnomAD v4.1: 3 of 1,524,600 alleles (0.0002%); highest among the groups gnomAD compares: Non-Finnish European, 0.00026%; no homozygotes.

Submissions (2):

Fulgent Genetics
Classification: Uncertain significance for Currarino triad. Last evaluated: 2024-05-13. Review status: criteria provided, single submitter. Criteria: ACMG Guidelines, 2015. Collection method: clinical testing. Allele origin: germline.

Labcorp Genetics (formerly Invitae), Labcorp
Classification: Uncertain significance. Last evaluated: 2022-11-01. Review status: criteria provided, single submitter. Criteria: Invitae Variant Classification Sherloc (09022015). Collection method: clinical testing. Allele origin: germline.
Comment: This variant has not been reported in the literature in individuals affected with MNX1-related conditions. This variant is not present in population databases (gnomAD no frequency). This sequence change replaces glycine, which is neutral and non-polar, with cysteine, which is neutral and slightly polar, at codon 177 of the MNX1 protein (p.Gly177Cys). Advanced modeling of protein sequence and biophysical properties (such as structural, functional, and spatial information, amino acid conservation, physicochemical variation, residue mobility, and thermodynamic stability) performed at Invitae indicates that this missense variant is expected to disrupt MNX1 protein function. In summary, the available evidence is currently insufficient to determine the role of this variant in disease. Therefore, it has been classified as a Variant of Uncertain Significance.

NM_005515.4(MNX1):c.529G>T (p.Gly177Cys)

Gene: MNX1 (motor neuron and pancreas homeobox 1; minus strand). Cytogenetic location: 7q36.3.
Variant type: single nucleotide variant.
Coding change: c.529G>T on transcript NM_005515.4 (MANE Select); coding-DNA position 529, G replaced by T.
Protein change: p.Gly177Cys; replaces glycine 177 with cysteine.
Molecular consequence: missense variant.
Genome position (GRCh38, 1-based): chr7:157,009,822, C>A on the plus strand (G>T on the coding strand, the complement: MNX1 is on the minus strand). VCF-style: chr7-157009822-C-A. GRCh37 (hg19) VCF-style: chr7-156802516-C-A.
Other names: short protein forms G177C.
Identifiers: ClinVar variation 2039308 (VCV002039308.5), dbSNP rs778434757, ClinGen allele CA4589280.